The following is an entry in ClinVar:

NM_002334.4(LRP4):c.*261C>A

Genes: LRP4 (LDL receptor related protein 4; minus strand), LRP4-AS1 (LRP4 antisense RNA 1; plus strand). Cytogenetic location: 11p11.2.
Variant type: single nucleotide variant.
Coding change: c.*261C>A on transcript NM_002334.4 (MANE Select); 261 bases downstream of the stop codon, C replaced by A.
Molecular consequence: 3 prime UTR variant.
Genome position (GRCh38, 1-based): chr11:46,858,722, G>T on the plus strand (C>A on the coding strand, the complement: LRP4 is on the minus strand). VCF-style: chr11-46858722-G-T. GRCh37 (hg19) VCF-style: chr11-46880273-G-T.
Identifiers: ClinVar variation 304841 (VCV000304841.9), dbSNP rs77376145, ClinGen allele CA10630965.

ClinVar aggregate classification (germline): Benign/Likely benign. Review status: criteria provided, multiple submitters, no conflicts (2 of 4 stars). 3 submissions from 3 submitters: Benign (1); Likely benign (2). Last evaluated 2018-07-27.

Conditions:
Cenani-Lenz syndactyly syndrome. Also called: CENANI SYNDACTYLISM; SYNDACTYLY, TYPE VII. Identifiers: Orphanet 3258, MedGen C1859309, MONDO:0008931, OMIM 212780.

Allele frequency attached by ClinVar (database versions not stated): TOPMed 0.04370; 1000 Genomes Project 0.04712; gnomAD exomes 0.00474; gnomAD 0.03724 and 0.03985; 1000 Genomes Project 30x 0.05106.
gnomAD v4.1: 7,459 of 514,916 alleles (1.4%); highest among the groups gnomAD compares: African/African-American, 13%; 466 homozygotes.

Submissions (3):

GeneDx
Classification: Benign. Last evaluated: 2018-07-27. Review status: criteria provided, single submitter. Criteria: GeneDx Variant Classification Process June 2021. Collection method: clinical testing. Allele origin: germline. Affected: yes.

Illumina Laboratory Services, Illumina
Classification: Likely benign for Cenani-Lenz syndactyly syndrome. Last evaluated: 2017-04-27. Review status: criteria provided, single submitter. Criteria: ICSL Variant Classification Criteria 13 December 2019. Collection method: clinical testing. Allele origin: germline.
Comment: This variant was observed as part of a predisposition screen in an ostensibly healthy population. A literature search was performed for the gene, cDNA change, and amino acid change (where applicable). No publications were found based on this search. Allele frequency data from public databases allowed determination this variant is unlikely to cause disease. Therefore, this variant is classified as likely benign.

Breakthrough Genomics
Classification: Likely benign. Review status: criteria provided, single submitter. Criteria: ACMG Guidelines, 2015. Collection method: not provided. Allele origin: germline. Inheritance: Autosomal recessive inheritance. Affected: yes.